The following is an entry in ClinVar:

ClinVar aggregate classification (germline): Uncertain significance (1 of 4 stars; one submission).

Submission:

Mayo Clinic Laboratories, Mayo Clinic
Classification: Uncertain significance. Last evaluated: 2025-02-27. Review status: criteria provided, single submitter. Criteria: ACMG Guidelines, 2015. Collection method: clinical testing. Allele origin: germline. Observed: 1 variant allele.
Comment: PP3, PM2_moderate

NM_017780.4(CHD7):c.4571C>T (p.Ser1524Phe)

Gene: CHD7 (chromodomain helicase DNA binding protein 7; plus strand). Cytogenetic location: 8q12.2.
Variant type: single nucleotide variant.
Coding change: c.4571C>T on transcript NM_017780.4 (MANE Select); coding-DNA position 4571, C replaced by T.
Protein change: p.Ser1524Phe; replaces serine 1524 with phenylalanine.
Molecular consequence: missense variant. On other transcripts: intron variant (1).
Genome position (GRCh38, 1-based): chr8:60,841,681, C>T. VCF-style: chr8-60841681-C-T. GRCh37 (hg19) VCF-style: chr8-61754240-C-T.
Other names: p.Ser1524Phe; c.1717-20548C>T (NM_001316690.1); short protein forms S1524F.
Identifiers: ClinVar variation 4541376 (VCV004541376.1).